The following is an entry in ClinVar:

NM_001267550.2(TTN):c.60263_60264del (p.Leu20088fs)

Genes: TTN (titin; minus strand), TTN-AS1 (TTN antisense RNA 1; plus strand). Cytogenetic location: 2q31.2.
Variant type: Deletion.
Coding change: c.60263_60264del on transcript NM_001267550.2 (MANE Select); coding-DNA positions 60263 to 60264, 2 bases deleted (TT; older notation c.60263_60264delTT).
Protein change: p.Leu20088fs; shifts the reading frame from leucine 20088.
Molecular consequence: frameshift variant.
Genome position (GRCh38, 1-based): chr2:178,591,461-178,591,462, AA deleted on the plus strand (TT on the coding strand, the reverse complement: TTN is on the minus strand). VCF-style (leftmost placement, unchanged base first): chr2-178591460-CAA-C. GRCh37 (hg19) VCF-style: chr2-179456187-CAA-C.
Other names: c.55340_55341del, p.Leu18447fs (NM_001256850.1); c.33068_33069del, p.Leu11023fs (NM_003319.4); c.52559_52560del, p.Leu17520fs (NM_133378.4); c.33443_33444del, p.Leu11148fs (NM_133432.3); c.33644_33645del, p.Leu11215fs (NM_133437.4); c.60263_60264delTT (NM_001267550.2); short protein forms L11148fs, L11215fs, L20088fs, L18447fs, L11023fs, L17520fs.
Identifiers: ClinVar variation 577377 (VCV000577377.10), dbSNP rs1559592415, ClinGen allele CA891843233.

ClinVar aggregate classification (germline): Likely pathogenic (1 of 4 stars; one submission).

Conditions:
Autosomal recessive limb-girdle muscular dystrophy type 2J (LGMDR10). Also called: Limb-girdle muscular dystrophy, type 2J; MUSCULAR DYSTROPHY, LIMB-GIRDLE, AUTOSOMAL RECESSIVE 10. Identifiers: Orphanet 140922, MedGen C1837342, MONDO:0012127, OMIM 608807.
Dilated cardiomyopathy 1G (CMD1G). Identifiers: Orphanet 154, MedGen C1858763, MONDO:0011400, OMIM 604145.

Submission:

Labcorp Genetics (formerly Invitae), Labcorp
Classification: Likely pathogenic for Dilated cardiomyopathy 1G; Autosomal recessive limb-girdle muscular dystrophy type 2J. Last evaluated: 2018-09-06. Review status: criteria provided, single submitter. Criteria: Invitae Variant Classification Sherloc (09022015). Collection method: clinical testing. Allele origin: germline.
Comment: In summary, the currently available evidence indicates that the variant is pathogenic, but additional data are needed to prove that conclusively. Therefore, this variant has been classified as Likely Pathogenic. This variant is located in the A band of TTN (PMID: 25589632). Truncating variants in this region are significantly overrepresented in patients with dilated cardiomyopathy (PMID: 25589632). Truncating variants in this region have also been reported in individuals affected with autosomal recessive centronuclear myopathy (PMID: 23975875). This variant has not been reported in the literature in individuals with TTN-related disease. This variant is not present in population databases (ExAC no frequency). This sequence change results in a premature translational stop signal in the TTN gene (p.Leu20088Argfs*30). While this is not anticipated to result in nonsense mediated decay, it is expected to create a truncated TTN protein.

Literature cited by the submitters: PubMed 25589632; PubMed 23975875.